The following is an entry in ClinVar:

ClinVar aggregate classification (germline): Uncertain significance. Review status: criteria provided, multiple submitters, no conflicts (2 of 4 stars). 2 submissions from 2 submitters: Uncertain significance (2). Last evaluated 2023-05-16.

Conditions:
Inborn genetic diseases. Identifiers: MedGen C0950123, MeSH D030342.
Hereditary sensory and autonomic neuropathy type 6. Also called: Neuropathy, hereditary sensory and autonomic, type VI; HSAN VI. Identifiers: Orphanet 314381, MedGen C3539003, MONDO:0013839, OMIM 614653.
Epidermolysis bullosa simplex 3, localized or generalized intermediate, with BP230 deficiency (EBS3). Also called: Epidermolysis bullosa simplex due to BP230 deficiency; Epidermolysis bullosa simplex, autosomal recessive 2. Identifiers: Orphanet 412181, MedGen C3809470, MONDO:0014180, OMIM 615425.

Allele frequency attached by ClinVar (database versions not stated): gnomAD 0.00001; gnomAD exomes 0.00002; TOPMed 0.00002; ExAC 0.00003; ESP Exome Variant Server 0.00008.
gnomAD v4.1: 27 of 1,613,712 alleles (0.0017%); highest among the groups gnomAD compares: African/African-American, 0.0027%; no homozygotes.

Submissions (2):

Labcorp Genetics (formerly Invitae), Labcorp
Classification: Uncertain significance for Epidermolysis bullosa simplex 3, localized or generalized intermediate, with BP230 deficiency; Hereditary sensory and autonomic neuropathy type 6. Last evaluated: 2023-05-16. Review status: criteria provided, single submitter. Criteria: Invitae Variant Classification Sherloc (09022015). Collection method: clinical testing. Allele origin: germline.
Comment: In summary, the available evidence is currently insufficient to determine the role of this variant in disease. Therefore, it has been classified as a Variant of Uncertain Significance. Experimental studies and prediction algorithms are not available or were not evaluated, and the functional significance of this variant is currently unknown. This variant has not been reported in the literature in individuals affected with DST-related conditions. This variant is present in population databases (rs368902741, gnomAD 0.01%). This sequence change replaces arginine, which is basic and polar, with tryptophan, which is neutral and slightly polar, at codon 4597 of the DST protein (p.Arg4597Trp). This sequence change replaces arginine with tryptophan at codon 4597 of the DST protein (p.Arg4597Trp). The DST gene has multiple clinically relevant transcripts. This variant occurs in alternate transcript NM_015548.4, and corresponds to NM_001723.5:c.*138155C>T in the primary transcript.

Ambry Genetics
Classification: Uncertain significance for Inborn genetic diseases. Last evaluated: 2022-02-25. Review status: criteria provided, single submitter. Criteria: Ambry Variant Classification Scheme 2023. Collection method: clinical testing. Allele origin: germline.
Comment: The p.R5101W variant (also known as c.15301C>T), located in coding exon 85 of the DST gene, results from a C to T substitution at nucleotide position 15301. The arginine at codon 5101 is replaced by tryptophan, an amino acid with dissimilar properties. This amino acid position is not well conserved in available vertebrate species. In addition, this alteration is predicted to be tolerated by in silico analysis. Since supporting evidence is limited at this time, the clinical significance of this alteration remains unclear.

NM_001374736.1(DST):c.21658C>T (p.Arg7220Trp)

Gene: DST (dystonin; minus strand). Cytogenetic location: 6p12.1.
Variant type: single nucleotide variant.
Coding change: c.21658C>T on transcript NM_001374736.1 (MANE Select); coding-DNA position 21658, C replaced by T.
Protein change: p.Arg7220Trp; replaces arginine 7220 with tryptophan.
Molecular consequence: missense variant.
Genome position (GRCh38, 1-based): chr6:56,477,362, G>A on the plus strand (C>T on the coding strand, the complement: DST is on the minus strand). VCF-style: chr6-56477362-G-A. GRCh37 (hg19) VCF-style: chr6-56342160-G-A.
Other names: c.15301C>T, p.Arg5101Trp (NM_001144769.5); c.14887C>T, p.Arg4963Trp (NM_001144770.2); c.21658C>T, p.Arg7220Trp (NM_001374722.1); c.20698C>T, p.Arg6900Trp (NM_001374729.1); c.14440C>T, p.Arg4814Trp (NM_001374730.1); c.21685C>T, p.Arg7229Trp (NM_001374734.1); c.14767C>T, p.Arg4923Trp (NM_001386100.1, NM_183380.4); c.13789C>T, p.Arg4597Trp (NM_015548.5); short protein forms R4923W, R7220W, R7229W, R4597W, R6900W, R4963W, R5101W, R4814W.
Identifiers: ClinVar variation 1425752 (VCV001425752.8), dbSNP rs368902741, ClinGen allele CA3866420.